The following is an entry in ClinVar:

NM_006950.3(SYN1):c.510T>C (p.Asn170=)

Gene: SYN1 (synapsin I; minus strand). Cytogenetic location: Xp11.23.
Variant type: single nucleotide variant.
Coding change: c.510T>C on transcript NM_006950.3 (MANE Select); coding-DNA position 510, T replaced by C.
Protein change: p.Asn170=; no amino-acid change (asparagine 170 retained).
Molecular consequence: synonymous variant.
Genome position (GRCh38, 1-based): chrX:47,606,962, A>G on the plus strand (T>C on the coding strand, the complement: SYN1 is on the minus strand). VCF-style: chrX-47606962-A-G. GRCh37 (hg19) VCF-style: chrX-47466361-A-G.
Other names: p.Asn170=; c.510T>C, p.Asn170= (NM_133499.2).
Identifiers: ClinVar variation 96364 (VCV000096364.28), dbSNP rs1142636, ClinGen allele CA149469.

ClinVar aggregate classification (germline): Benign. Review status: criteria provided, multiple submitters, no conflicts (2 of 4 stars). 11 submissions from 10 submitters: Benign (10). 1 of the submissions does not count toward it. Last evaluated 2026-02-04.

Conditions:
History of neurodevelopmental disorder. Identifiers: MedGen C2711754.
Intellectual developmental disorder, X-linked 50. Also called: Intellectual disability, X-linked 50; MRX50. Identifiers: Orphanet 777, MedGen C1848087, MONDO:0010251, OMIM 300115.
Epilepsy, X-linked 1, with variable learning disabilities and behavior disorders. Also called: X-linked epilepsy-learning disabilities-behavior disorders syndrome. Identifiers: Orphanet 85294, MedGen C5774177, MONDO:0010339, OMIM 300491.

Allele frequency attached by ClinVar (database versions not stated): 1000 Genomes Project 30x 0.36733; 1000 Genomes Project 0.36874; gnomAD exomes 0.37108 and 0.37627; ExAC 0.38082; gnomAD 0.38936 and 0.39391; TOPMed 0.39631; ESP Exome Variant Server 0.39828.
gnomAD v4.1: 455,142 of 1,205,344 alleles (38%); highest among the groups gnomAD compares: African/African-American, 42%; 59,194 homozygotes.

Submissions (11):

Labcorp Genetics (formerly Invitae), Labcorp
Classification: Benign for Epilepsy, X-linked 1, with variable learning disabilities and behavior disorders. Last evaluated: 2026-02-04. Review status: criteria provided, single submitter. Criteria: Invitae Variant Classification Sherloc (09022015). Collection method: clinical testing. Allele origin: germline.

Blueprint Genetics
Classification: Benign. Last evaluated: 2024-11-28. Review status: criteria provided, single submitter. Criteria: ACMG Guidelines, 2015. Collection method: clinical testing. Allele origin: germline.

Mayo Clinic Laboratories, Mayo Clinic
Classification: Benign. Last evaluated: 2021-11-29. Review status: criteria provided, single submitter. Criteria: ACMG Guidelines, 2015. Collection method: clinical testing. Allele origin: germline. Observed: 123 variant alleles.

Genome-Nilou Lab
Classification: Benign for Epilepsy, X-linked 1, with variable learning disabilities and behavior disorders. Last evaluated: 2021-07-15. Review status: criteria provided, single submitter. Criteria: ACMG Guidelines, 2015. Collection method: clinical testing. Allele origin: germline. Affected: no.

Genome-Nilou Lab
Classification: Benign for Intellectual developmental disorder, X-linked 50. Last evaluated: 2021-07-15. Review status: criteria provided, single submitter. Criteria: ACMG Guidelines, 2015. Collection method: clinical testing. Allele origin: germline. Affected: no.

Athena Diagnostics
Classification: Benign. Last evaluated: 2017-04-20. Review status: criteria provided, single submitter. Criteria: Athena Diagnostics Criteria. Collection method: clinical testing. Allele origin: germline.

Ambry Genetics
Classification: Benign for History of neurodevelopmental disorder. Last evaluated: 2016-04-15. Review status: criteria provided, single submitter. Criteria: Ambry Autosomal Dominant and X-Linked criteria (10/2015). Collection method: clinical testing. Allele origin: germline. Observed: 1 variant allele.

GeneDx
Classification: Benign. Last evaluated: 2015-03-03. Review status: criteria provided, single submitter. Criteria: GeneDx Variant Classification Process June 2021. Collection method: clinical testing. Allele origin: germline. Affected: yes.

Eurofins Ntd Llc (ga)
Classification: Benign. Last evaluated: 2013-11-19. Review status: criteria provided, single submitter. Criteria: EGL Classification Definitions 2015. Collection method: clinical testing. Allele origin: germline. Observed: 2 variant alleles, 2 hemizygotes.

Breakthrough Genomics
Classification: Benign. Review status: criteria provided, single submitter. Criteria: ACMG Guidelines, 2015. Collection method: not provided. Allele origin: germline. Inheritance: X-linked inheritance. Affected: yes.

Genetic Services Laboratory, University of Chicago
Classification: Likely benign for AllHighlyPenetrant. Review status: no assertion criteria provided. Collection method: clinical testing. Allele origin: germline. Inheritance: X-linked inheritance. Not counted in ClinVar's aggregate classification.
Comment: Likely benign based on allele frequency in 1000 Genomes Project or ESP global frequency and its presence in a patient with a rare or unrelated disease phenotype. NOT Sanger confirmed.